The following is an entry in ClinVar:

ClinVar aggregate classification (germline): Pathogenic/Likely pathogenic. Review status: criteria provided, multiple submitters, no conflicts (2 of 4 stars). 2 submissions from 2 submitters: Pathogenic (1); Likely pathogenic (1). Last evaluated 2024-08-27.

Conditions:
ZBTB24-related disorder. Also called: ZBTB24-related condition.
Immunodeficiency-centromeric instability-facial anomalies syndrome 2 (ICF2). Identifiers: Orphanet 2268, MedGen C3279748, MONDO:0013553, OMIM 614069.

Submissions (2):

Blueprint Genetics
Classification: Likely pathogenic for ZBTB24-related disorders. Last evaluated: 2024-08-27. Review status: criteria provided, single submitter. Criteria: ACMG Guidelines, 2015. Collection method: clinical testing. Allele origin: germline. Affected: yes. Observed: 3 variant alleles.

Labcorp Genetics (formerly Invitae), Labcorp
Classification: Pathogenic for Immunodeficiency-centromeric instability-facial anomalies syndrome 2. Last evaluated: 2023-01-31. Review status: criteria provided, single submitter. Criteria: Invitae Variant Classification Sherloc (09022015). Collection method: clinical testing. Allele origin: germline.
Comment: This sequence change creates a premature translational stop signal (p.Phe198Cysfs*3) in the ZBTB24 gene. It is expected to result in an absent or disrupted protein product. Loss-of-function variants in ZBTB24 are known to be pathogenic (PMID: 21596365). This variant is not present in population databases (gnomAD no frequency). This variant has not been reported in the literature in individuals affected with ZBTB24-related conditions. For these reasons, this variant has been classified as Pathogenic.

Literature cited by the submitters: PubMed 21596365 (cited by Labcorp Genetics (formerly Invitae), Labcorp).

NM_014797.3(ZBTB24):c.593_594del (p.Phe198fs)

Gene: ZBTB24 (zinc finger and BTB domain containing 24; minus strand). Cytogenetic location: 6q21.
Variant type: Deletion.
Coding change: c.593_594del on transcript NM_014797.3 (MANE Select); coding-DNA positions 593 to 594, 2 bases deleted (TT; older notation c.593_594delTT).
Protein change: p.Phe198fs; shifts the reading frame from phenylalanine 198.
Molecular consequence: frameshift variant.
Genome position (GRCh38, 1-based): chr6:109,481,433-109,481,434, AA deleted on the plus strand (TT on the coding strand, the reverse complement: ZBTB24 is on the minus strand); deleting any 2 consecutive bases within chr6:109,481,433-109,481,435 gives the same sequence; the c. name uses the placement nearest the transcript's 3' end. VCF-style (leftmost placement, unchanged base first): chr6-109481432-CAA-C. GRCh37 (hg19) VCF-style: chr6-109802635-CAA-C.
Other names: c.593_594del, p.Phe198fs (NM_001164313.2); short protein forms F198fs.
Identifiers: ClinVar variation 2956344 (VCV002956344.4), dbSNP rs2482881880, ClinGen allele CA2578711508.
Genomic context (GRCh38, chr6:109,481,432, plus strand): 5'-ATTCTTCCTTTTCTTTTGCTGCAATTTGCTCATTCAGTACACCACTGTCTCCTTTAACCA[CAA>C]AGTTTTGTCTATTCTGAACTGAATTGTTCACTCTTAACTGTATTTCTTCCTCTGCAGCCA-3'